The following is an entry in ClinVar:

ClinVar aggregate classification (germline): Uncertain significance (1 of 4 stars; one submission).

Conditions:
Familial cold autoinflammatory syndrome 3 (FCAS3). Also called: FAMILIAL ATYPICAL COLD URTICARIA; ANTIBODY DEFICIENCY AND IMMUNE DYSREGULATION, PLCG2-ASSOCIATED. Identifiers: Orphanet 300359, MedGen C3280914, MONDO:0013766, OMIM 614468.

Allele frequency attached by ClinVar (database versions not stated): TOPMed below 0.00001.
gnomAD v4.1: 2 of 1,613,780 alleles (0.00012%); highest among the groups gnomAD compares: Middle Eastern, 0.017%; no homozygotes.

Submission:

Labcorp Genetics (formerly Invitae), Labcorp
Classification: Uncertain significance for Familial cold autoinflammatory syndrome 3. Last evaluated: 2023-10-13. Review status: criteria provided, single submitter. Criteria: Invitae Variant Classification Sherloc (09022015). Collection method: clinical testing. Allele origin: germline.
Comment: This sequence change replaces glycine, which is neutral and non-polar, with arginine, which is basic and polar, at codon 556 of the PLCG2 protein (p.Gly556Arg). This variant is not present in population databases (gnomAD no frequency). This variant has not been reported in the literature in individuals affected with PLCG2-related conditions. ClinVar contains an entry for this variant (Variation ID: 1942264). An algorithm developed to predict the effect of missense changes on protein structure and function (PolyPhen-2) suggests that this variant is likely to be tolerated. In summary, the available evidence is currently insufficient to determine the role of this variant in disease. Therefore, it has been classified as a Variant of Uncertain Significance.

NM_002661.5(PLCG2):c.1666G>C (p.Gly556Arg)

Gene: PLCG2 (phospholipase C gamma 2; plus strand). Cytogenetic location: 16q23.3.
Variant type: single nucleotide variant.
Coding change: c.1666G>C on transcript NM_002661.5 (MANE Select); coding-DNA position 1666, G replaced by C.
Protein change: p.Gly556Arg; replaces glycine 556 with arginine.
Molecular consequence: missense variant.
Genome position (GRCh38, 1-based): chr16:81,908,524, G>C. VCF-style: chr16-81908524-G-C. GRCh37 (hg19) VCF-style: chr16-81942129-G-C.
Other names: short protein forms G556R.
Identifiers: ClinVar variation 1942264 (VCV001942264.5), dbSNP rs779697226, ClinGen allele CA396900280.